The following is an entry in ClinVar:

ClinVar aggregate classification (germline): Benign/Likely benign. Review status: criteria provided, multiple submitters, no conflicts (2 of 4 stars). 5 submissions from 5 submitters: Benign (1); Likely benign (4). Last evaluated 2025-07-06.

Conditions:
KBG syndrome (KBGS). Also called: ANKRD11-Related KBG Syndrome. Identifiers: Orphanet 2332, MedGen C0220687, MONDO:0007846, OMIM 148050.

Allele frequency attached by ClinVar (database versions not stated): ESP Exome Variant Server 0.00008; gnomAD exomes 0.00010 and 0.00020; gnomAD 0.00012 and 0.00013; ExAC 0.00017; TOPMed 0.00017.

Submissions (5):

Labcorp Genetics (formerly Invitae), Labcorp
Classification: Benign for KBG syndrome. Last evaluated: 2025-07-06. Review status: criteria provided, single submitter. Criteria: Invitae Variant Classification Sherloc (09022015). Collection method: clinical testing. Allele origin: germline.

CeGaT Center for Human Genetics Tuebingen
Classification: Likely benign. Last evaluated: 2024-08-01. Review status: criteria provided, single submitter. Criteria: CeGaT Center For Human Genetics Tuebingen Variant Classification Criteria Version 2. Collection method: clinical testing. Allele origin: germline. Affected: yes. Observed: 1 variant allele.
Comment: ANKRD11: BS1

Fulgent Genetics
Classification: Likely benign for KBG syndrome. Last evaluated: 2021-12-17. Review status: criteria provided, single submitter. Criteria: ACMG Guidelines, 2015. Collection method: clinical testing. Allele origin: unknown.

Genetic Services Laboratory, University of Chicago
Classification: Likely benign. Last evaluated: 2021-03-19. Review status: criteria provided, single submitter. Criteria: ACMG Guidelines, 2015. Collection method: clinical testing. Allele origin: germline. Affected: no.

GeneDx
Classification: Likely benign. Last evaluated: 2021-03-09. Review status: criteria provided, single submitter. Criteria: GeneDx Variant Classification Process June 2021. Collection method: clinical testing. Allele origin: germline. Affected: yes.

NM_013275.6(ANKRD11):c.1577A>T (p.His526Leu)

Gene: ANKRD11 (ankyrin repeat domain 11; minus strand). Cytogenetic location: 16q24.3.
Variant type: single nucleotide variant.
Coding change: c.1577A>T on transcript NM_013275.6 (MANE Select); coding-DNA position 1577, A replaced by T.
Protein change: p.His526Leu; replaces histidine 526 with leucine.
Molecular consequence: missense variant.
Genome position (GRCh38, 1-based): chr16:89,284,965, T>A on the plus strand (A>T on the coding strand, the complement: ANKRD11 is on the minus strand). VCF-style: chr16-89284965-T-A. GRCh37 (hg19) VCF-style: chr16-89351373-T-A.
Other names: c.1577A>T, p.His526Leu (NM_001256182.2, NM_001256183.2); short protein forms H526L.
Identifiers: ClinVar variation 1254160 (VCV001254160.26), dbSNP rs374369335, ClinGen allele CA8242740.